The following is an entry in ClinVar:

NM_015450.3(POT1):c.937G>T (p.Asp313Tyr)

Gene: POT1 (protection of telomeres 1; minus strand). Cytogenetic location: 7q31.33.
Variant type: single nucleotide variant.
Coding change: c.937G>T on transcript NM_015450.3 (MANE Select); coding-DNA position 937, G replaced by T.
Protein change: p.Asp313Tyr; replaces aspartic acid 313 with tyrosine.
Molecular consequence: missense variant. On other transcripts: non-coding transcript variant (3).
Genome position (GRCh38, 1-based): chr7:124,851,884, C>A on the plus strand (G>T on the coding strand, the complement: POT1 is on the minus strand). VCF-style: chr7-124851884-C-A. GRCh37 (hg19) VCF-style: chr7-124491938-C-A.
Other names: c.544G>T, p.Asp182Tyr (NM_001042594.2); short protein forms D182Y, D313Y.
Identifiers: ClinVar variation 823204 (VCV000823204.7), dbSNP rs770779418, ClinGen allele CA369054290.
Genomic context (GRCh38, chr7:124,851,884, plus strand): 5'-ATTTTATTTAGCAAGAACTAAACTGTCAATGTTAAAGATTATCCTTACTTGGAAAGCTGT[C>A]GTCAGGTTCTGATTGACAGATAACATCTGAATGCTGATTGGCTGTCAAATTTGCAGATTC-3'
Protein context (NP_056265.2, residues 303-323): SDVICQSEPD[Asp313Tyr]SFPSSGSVSL

ClinVar aggregate classification (germline): Uncertain significance. Review status: criteria provided, multiple submitters, no conflicts (2 of 4 stars). 2 submissions from 2 submitters: Uncertain significance (2). Last evaluated 2023-12-05.

Conditions:
Tumor predisposition syndrome 3 (TPDS3). Also called: Glioma susceptibility 9; LONG TELOMERE SYNDROME, POT1-RELATED; POT1 Tumor Predisposition; Melanoma, cutaneous malignant, susceptibility to, 10. Identifiers: Orphanet 618, MedGen C4014476, MONDO:0014368, OMIM 615848.
Hereditary cancer-predisposing syndrome. Also called: Tumor predisposition; Hereditary Cancer Syndrome; Hereditary neoplastic syndrome; Neoplastic Syndromes, Hereditary. Identifiers: Orphanet 140162, MedGen C0027672, MeSH D009386, MONDO:0015356.

Submissions (2):

Ambry Genetics
Classification: Uncertain significance for Hereditary cancer-predisposing syndrome. Last evaluated: 2023-12-05. Review status: criteria provided, single submitter. Criteria: Ambry Variant Classification Scheme 2023. Collection method: clinical testing. Allele origin: germline.
Comment: The p.D313Y variant (also known as c.937G>T), located in coding exon 7 of the POT1 gene, results from a G to T substitution at nucleotide position 937. The aspartic acid at codon 313 is replaced by tyrosine, an amino acid with highly dissimilar properties. This amino acid position is well conserved in available vertebrate species. In addition, this alteration is predicted to be tolerated by in silico analysis. Since supporting evidence is limited at this time, the clinical significance of this alteration remains unclear.

Labcorp Genetics (formerly Invitae), Labcorp
Classification: Uncertain significance for Tumor predisposition syndrome 3. Last evaluated: 2023-11-23. Review status: criteria provided, single submitter. Criteria: Invitae Variant Classification Sherloc (09022015). Collection method: clinical testing. Allele origin: germline.
Comment: This sequence change replaces aspartic acid, which is acidic and polar, with tyrosine, which is neutral and polar, at codon 313 of the POT1 protein (p.Asp313Tyr). This variant is not present in population databases (gnomAD no frequency). This variant has not been reported in the literature in individuals affected with POT1-related conditions. ClinVar contains an entry for this variant (Variation ID: 823204). Advanced modeling of protein sequence and biophysical properties (such as structural, functional, and spatial information, amino acid conservation, physicochemical variation, residue mobility, and thermodynamic stability) performed at Invitae indicates that this missense variant is not expected to disrupt POT1 protein function with a negative predictive value of 80%. In summary, the available evidence is currently insufficient to determine the role of this variant in disease. Therefore, it has been classified as a Variant of Uncertain Significance.